The following is an entry in ClinVar:

ClinVar aggregate classification (germline): Conflicting classifications of pathogenicity. Review status: criteria provided, conflicting classifications (1 of 4 stars). 3 submissions from 3 submitters: Uncertain significance (2); Likely benign (1). Last evaluated 2025-10-06.

Conditions:
Familial focal epilepsy with variable foci (FPEVF). Identifiers: Orphanet 98820, MedGen C1858477, MONDO:0020310.
Inborn genetic diseases. Identifiers: MedGen C0950123, MeSH D030342.

Allele frequency attached by ClinVar (database versions not stated): ExAC 0.00002; gnomAD exomes 0.00003 and 0.00010; TOPMed 0.00014; gnomAD 0.00024 and 0.00026.
gnomAD v4.1: 79 of 1,613,988 alleles (0.0049%); highest among the groups gnomAD compares: Admixed American, 0.092%; no homozygotes.

Submissions (3):

Labcorp Genetics (formerly Invitae), Labcorp
Classification: Uncertain significance for Familial focal epilepsy with variable foci. Last evaluated: 2025-10-06. Review status: criteria provided, single submitter. Criteria: Invitae Variant Classification Sherloc (09022015). Collection method: clinical testing. Allele origin: germline.
Comment: This sequence change replaces glycine, which is neutral and non-polar, with serine, which is neutral and polar, at codon 679 of the DEPDC5 protein (p.Gly679Ser). This variant is present in population databases (rs748634683, gnomAD 0.06%). This variant has not been reported in the literature in individuals affected with DEPDC5-related conditions. ClinVar contains an entry for this variant (Variation ID: 953909). An algorithm developed to predict the effect of missense changes on protein structure and function outputs the following: PolyPhen-2: "Not Available". The serine amino acid residue is found in multiple mammalian species, which suggests that this missense change does not adversely affect protein function. In summary, the available evidence is currently insufficient to determine the role of this variant in disease. Therefore, it has been classified as a Variant of Uncertain Significance.

Ambry Genetics
Classification: Likely benign for Inborn genetic diseases. Last evaluated: 2021-06-23. Review status: criteria provided, single submitter. Criteria: Ambry Variant Classification Scheme 2023. Collection method: clinical testing. Allele origin: germline.

Breakthrough Genomics
Classification: Uncertain significance. Review status: criteria provided, single submitter. Criteria: ACMG Guidelines, 2015. Collection method: not provided. Allele origin: germline. Inheritance: Autosomal dominant inheritance. Affected: yes.

NM_001242896.3(DEPDC5):c.2035G>A (p.Gly679Ser)

Gene: DEPDC5 (DEP domain containing 5, GATOR1 subcomplex subunit; plus strand). Cytogenetic location: 22q12.3.
Variant type: single nucleotide variant.
Coding change: c.2035G>A on transcript NM_001242896.3 (MANE Select); coding-DNA position 2035, G replaced by A.
Protein change: p.Gly679Ser; replaces glycine 679 with serine.
Molecular consequence: missense variant. On other transcripts: non-coding transcript variant (4), intron variant (3).
Genome position (GRCh38, 1-based): chr22:31,822,721, G>A. VCF-style: chr22-31822721-G-A. GRCh37 (hg19) VCF-style: chr22-32218707-G-A.
Other names: c.2035G>A, p.Gly679Ser (NM_001136029.4, NM_001363852.2, NM_001364318.2 and 3 more transcripts); c.1951G>A, p.Gly651Ser (NM_001369901.1, NM_001369902.1); c.1870+3496G>A (NM_001363854.2, NM_001242897.2, NM_001364319.2); short protein forms G651S, G679S.
Identifiers: ClinVar variation 953909 (VCV000953909.11), dbSNP rs748634683, ClinGen allele CA10196550.